The following is an entry in ClinVar:

NM_020738.4(KIDINS220):c.212A>G (p.Asn71Ser)

Gene: KIDINS220 (kinase D interacting substrate 220; minus strand). Cytogenetic location: 2p25.1.
Variant type: single nucleotide variant.
Coding change: c.212A>G on transcript NM_020738.4 (MANE Select); coding-DNA position 212, A replaced by G.
Protein change: p.Asn71Ser; replaces asparagine 71 with serine.
Molecular consequence: missense variant. On other transcripts: non-coding transcript variant (2).
Genome position (GRCh38, 1-based): chr2:8,817,712, T>C on the plus strand (A>G on the coding strand, the complement: KIDINS220 is on the minus strand). VCF-style: chr2-8817712-T-C. GRCh37 (hg19) VCF-style: chr2-8957842-T-C.
Other names: c.212A>G, p.Asn71Ser (NM_001348729.2, NM_001348731.2, NM_001348732.2 and 9 more transcripts); c.86A>G, p.Asn29Ser (NM_001348736.2); short protein forms N29S, N71S.
Identifiers: ClinVar variation 5001323 (VCV005001323.1).

ClinVar aggregate classification (germline): Uncertain significance (1 of 4 stars; one submission).

Conditions:
KIDINS220-related disorder. Also called: KIDINS220-related condition.

gnomAD v4.1: 2 of 1,591,238 alleles (0.00013%); highest among the groups gnomAD compares: African/African-American, 0.0027%; no homozygotes.

Submission:

PreventionGenetics, part of Exact Sciences
Classification: Uncertain significance for KIDINS220-related condition. Last evaluated: 2025-01-13. Review status: criteria provided, single submitter. Criteria: ACMG Guidelines, 2015. Collection method: clinical testing. Allele origin: germline.
Comment: The KIDINS220 c.212A>G variant is predicted to result in the amino acid substitution p.Asn71Ser. To our knowledge, this variant has not been reported in the literature or in a large population database (gnomAD), indicating this variant is rare. At this time, the clinical significance of this variant is uncertain due to the absence of conclusive functional and genetic evidence.